The following is an entry in ClinVar:

NM_000751.3(CHRND):c.1083G>C (p.Met361Ile)

Gene: CHRND (cholinergic receptor nicotinic delta subunit; plus strand). Cytogenetic location: 2q37.1.
Variant type: single nucleotide variant.
Coding change: c.1083G>C on transcript NM_000751.3 (MANE Select); coding-DNA position 1083, G replaced by C.
Protein change: p.Met361Ile; replaces methionine 361 with isoleucine.
Molecular consequence: missense variant.
Genome position (GRCh38, 1-based): chr2:232,533,966, G>C. VCF-style: chr2-232533966-G-C. GRCh37 (hg19) VCF-style: chr2-233398676-G-C.
Other names: c.1038G>C, p.Met346Ile (NM_001256657.2); c.501G>C, p.Met167Ile (NM_001311195.2); c.780G>C, p.Met260Ile (NM_001311196.2); short protein forms M260I, M346I, M361I, M167I.
Identifiers: ClinVar variation 1913624 (VCV001913624.5), dbSNP rs374740194, ClinGen allele CA2168260.

ClinVar aggregate classification (germline): Uncertain significance (1 of 4 stars; one submission).

Conditions:
Lethal multiple pterygium syndrome (LMPS). Identifiers: Orphanet 33108, MedGen C1854678, MONDO:0009668, OMIM 253290.

Allele frequency attached by ClinVar (database versions not stated): ExAC 0.00001; gnomAD 0.00001; TOPMed 0.00001; gnomAD exomes 0.00002; ESP Exome Variant Server 0.00008.
gnomAD v4.1: 39 of 1,613,422 alleles (0.0024%); highest among the groups gnomAD compares: Non-Finnish European, 0.0027%; no homozygotes.

Submission:

Labcorp Genetics (formerly Invitae), Labcorp
Classification: Uncertain significance for Lethal multiple pterygium syndrome. Last evaluated: 2024-06-04. Review status: criteria provided, single submitter. Criteria: Invitae Variant Classification Sherloc (09022015). Collection method: clinical testing. Allele origin: germline.
Comment: This sequence change replaces methionine, which is neutral and non-polar, with isoleucine, which is neutral and non-polar, at codon 361 of the CHRND protein (p.Met361Ile). This variant is present in population databases (rs374740194, gnomAD 0.002%). This variant has not been reported in the literature in individuals affected with CHRND-related conditions. ClinVar contains an entry for this variant (Variation ID: 1913624). Advanced modeling of protein sequence and biophysical properties (such as structural, functional, and spatial information, amino acid conservation, physicochemical variation, residue mobility, and thermodynamic stability) performed at Invitae indicates that this missense variant is not expected to disrupt CHRND protein function with a negative predictive value of 80%. In summary, the available evidence is currently insufficient to determine the role of this variant in disease. Therefore, it has been classified as a Variant of Uncertain Significance.